The following is an entry in ClinVar:

NM_007327.4(GRIN1):c.637G>A (p.Glu213Lys)

Gene: GRIN1 (glutamate ionotropic receptor NMDA type subunit 1; plus strand). Cytogenetic location: 9q34.3.
Variant type: single nucleotide variant.
Coding change: c.637G>A on transcript NM_007327.4 (MANE Select); coding-DNA position 637, G replaced by A.
Protein change: p.Glu213Lys; replaces glutamic acid 213 with lysine.
Molecular consequence: missense variant.
Genome position (GRCh38, 1-based): chr9:137,149,075, G>A. VCF-style: chr9-137149075-G-A. GRCh37 (hg19) VCF-style: chr9-140043527-G-A.
Other names: c.637G>A, p.Glu213Lys (NM_000832.7, NM_021569.4); c.700G>A, p.Glu234Lys (NM_001185090.2, NM_001185091.2); short protein forms E213K, E234K.
Identifiers: ClinVar variation 3030586 (VCV003030586.2), dbSNP rs2538547896, ClinGen allele CA375714528.

ClinVar aggregate classification (germline): Uncertain significance (0 of 4 stars; one submission).

Conditions:
GRIN1-related disorder. Also called: GRIN1-related condition.

Submission:

PreventionGenetics, part of Exact Sciences
Classification: Uncertain significance for GRIN1-related condition. Last evaluated: 2023-12-14. Review status: no assertion criteria provided. Collection method: clinical testing. Allele origin: germline.
Comment: The GRIN1 c.637G>A variant is predicted to result in the amino acid substitution p.Glu213Lys. To our knowledge, this variant has not been reported in the literature or in a large population database, indicating this variant is rare. At this time, the clinical significance of this variant is uncertain due to the absence of conclusive functional and genetic evidence.